The following is an entry in ClinVar:

NM_016138.5(COQ7):c.484G>A (p.Glu162Lys)

Gene: COQ7 (coenzyme Q7, hydroxylase; plus strand). Cytogenetic location: 16p12.3.
Variant type: single nucleotide variant.
Coding change: c.484G>A on transcript NM_016138.5 (MANE Select); coding-DNA position 484, G replaced by A.
Protein change: p.Glu162Lys; replaces glutamic acid 162 with lysine.
Molecular consequence: missense variant. On other transcripts: non-coding transcript variant (3).
Genome position (GRCh38, 1-based): chr16:19,075,837, G>A. VCF-style: chr16-19075837-G-A. GRCh37 (hg19) VCF-style: chr16-19087159-G-A.
Other names: c.370G>A, p.Glu124Lys (NM_001190983.2, NM_001370492.1, NM_001370493.1 and 2 more transcripts); c.442G>A, p.Glu148Lys (NM_001370489.1, NM_001370491.1); c.484G>A, p.Glu162Lys (NM_001370490.1); c.484G>A (NM_016138.4); short protein forms E162K, E124K, E148K.
Identifiers: ClinVar variation 1353279 (VCV001353279.11), dbSNP rs114801493, ClinGen allele CA7933036.

ClinVar aggregate classification (germline): Uncertain significance. Review status: criteria provided, multiple submitters, no conflicts (2 of 4 stars). 3 submissions from 3 submitters: Uncertain significance (3). Last evaluated 2026-10-07.

Allele frequency attached by ClinVar (database versions not stated): gnomAD exomes 0.00006 and 0.00016; ExAC 0.00021; ESP Exome Variant Server 0.00046; gnomAD 0.00062 and 0.00063; TOPMed 0.00069; 1000 Genomes Project 0.00100; 1000 Genomes Project 30x 0.00125.

Submissions (3):

GeneDx
Classification: Uncertain significance. Last evaluated: 2026-10-07. Review status: criteria provided, single submitter. Criteria: GeneDx Variant Classification Process June 2021. Collection method: clinical testing. Allele origin: germline.
Comment: In silico analysis supports that this missense variant has a deleterious effect on protein structure/function; Has not been previously published as pathogenic or benign to our knowledge

CeGaT Center for Human Genetics Tuebingen
Classification: Uncertain significance. Last evaluated: 2026-06-01. Review status: criteria provided, single submitter. Criteria: CeGaT Center For Human Genetics Tuebingen Variant Classification Criteria Version 2. Collection method: clinical testing. Allele origin: germline. Affected: yes. Observed: 1 variant allele.
Comment: COQ7: PM2, BP4

Labcorp Genetics (formerly Invitae), Labcorp
Classification: Uncertain significance. Last evaluated: 2022-08-20. Review status: criteria provided, single submitter. Criteria: Invitae Variant Classification Sherloc (09022015). Collection method: clinical testing. Allele origin: germline.
Comment: This sequence change replaces glutamic acid, which is acidic and polar, with lysine, which is basic and polar, at codon 162 of the COQ7 protein (p.Glu162Lys). This variant is present in population databases (rs114801493, gnomAD 0.2%). This variant has not been reported in the literature in individuals affected with COQ7-related conditions. ClinVar contains an entry for this variant (Variation ID: 1353279). Algorithms developed to predict the effect of missense changes on protein structure and function are either unavailable or do not agree on the potential impact of this missense change (SIFT: "Deleterious"; PolyPhen-2: "Benign"; Align-GVGD: "Class C15"). In summary, the available evidence is currently insufficient to determine the role of this variant in disease. Therefore, it has been classified as a Variant of Uncertain Significance.